The following is an entry in ClinVar:

NM_001105206.3(LAMA4):c.2614C>A (p.Pro872Thr)

Gene: LAMA4 (laminin subunit alpha 4; minus strand). Cytogenetic location: 6q21.
Variant type: single nucleotide variant.
Coding change: c.2614C>A on transcript NM_001105206.3 (MANE Select); coding-DNA position 2614, C replaced by A.
Protein change: p.Pro872Thr; replaces proline 872 with threonine.
Molecular consequence: missense variant.
Genome position (GRCh38, 1-based): chr6:112,142,172, G>T on the plus strand (C>A on the coding strand, the complement: LAMA4 is on the minus strand). VCF-style: chr6-112142172-G-T. GRCh37 (hg19) VCF-style: chr6-112463374-G-T.
Other names: c.2593C>A, p.Pro865Thr (NM_001105207.3, NM_002290.5); short protein forms P865T, P872T.
Identifiers: ClinVar variation 2329876 (VCV002329876.3), dbSNP rs180931319, ClinGen allele CA365381701.

ClinVar aggregate classification (germline): Uncertain significance (1 of 4 stars; one submission).

Conditions:
Cardiovascular phenotype. Identifiers: MedGen CN230736.

gnomAD v4.1: 2 of 1,614,100 alleles (0.00012%); highest among the groups gnomAD compares: Non-Finnish European, 0.00017%; no homozygotes.

Submission:

Ambry Genetics
Classification: Uncertain significance for Cardiovascular phenotype. Last evaluated: 2025-03-25. Review status: criteria provided, single submitter. Criteria: Ambry Variant Classification Scheme 2023. Collection method: clinical testing. Allele origin: germline.
Comment: The p.P865T variant (also known as c.2593C>A), located in coding exon 19 of the LAMA4 gene, results from a C to A substitution at nucleotide position 2593. The proline at codon 865 is replaced by threonine, an amino acid with highly similar properties. This amino acid position is conserved. In addition, this alteration is predicted to be tolerated by in silico analysis. Based on the available evidence, the clinical significance of this variant remains unclear.